The following is an entry in ClinVar:

ClinVar aggregate classification (germline): Uncertain significance (1 of 4 stars; one submission).

Submission:

ARUP Laboratories, Molecular Genetics and Genomics, ARUP Laboratories
Classification: Uncertain significance. Last evaluated: 2018-05-30. Review status: criteria provided, single submitter. Criteria: ARUP Molecular Germline Variant Investigation Process. Collection method: clinical testing. Allele origin: germline.
Comment: The m.8686T>A variant affects the mitochondrially-encoded MT-ATP6. This variant has not been reported in the medical literature in association with disease and is absent from the MITOMAP database. Thus, based on the available information, the clinical significance of this variant is uncertain.

NC_012920.1:m.8686T>A

Gene: MT-ATP6 (mitochondrially encoded ATP synthase 6; plus strand).
Variant type: single nucleotide variant.
Genome position: chrM-8686-T-A.
Identifiers: ClinVar variation 618718 (VCV000618718.8), dbSNP rs1569484231, ClinGen allele CA414797423.